The following is an entry in ClinVar:

ClinVar aggregate classification (germline): Uncertain significance (1 of 4 stars; one submission).

Conditions:
Intellectual disability, CASK-related, X-linked. Identifiers: MedGen CN043158.

Allele frequency attached by ClinVar (database versions not stated): gnomAD exomes below 0.00001.
gnomAD v4.1: 1 of 1,203,097 alleles (0.000083%); highest among the groups gnomAD compares: Non-Finnish European, 0.00011%; no homozygotes.

Submission:

Labcorp Genetics (formerly Invitae), Labcorp
Classification: Uncertain significance for Intellectual disability, CASK-related, X-linked. Last evaluated: 2023-06-03. Review status: criteria provided, single submitter. Criteria: Invitae Variant Classification Sherloc (09022015). Collection method: clinical testing. Allele origin: germline.
Comment: This variant is not present in population databases (gnomAD no frequency). This sequence change replaces serine, which is neutral and polar, with proline, which is neutral and non-polar, at codon 606 of the CASK protein (p.Ser606Pro). In summary, the available evidence is currently insufficient to determine the role of this variant in disease. Therefore, it has been classified as a Variant of Uncertain Significance. Advanced modeling of protein sequence and biophysical properties (such as structural, functional, and spatial information, amino acid conservation, physicochemical variation, residue mobility, and thermodynamic stability) has been performed at Invitae for this missense variant, however the output from this modeling did not meet the statistical confidence thresholds required to predict the impact of this variant on CASK protein function. This variant has not been reported in the literature in individuals affected with CASK-related conditions.

NM_001367721.1(CASK):c.1816T>C (p.Ser606Pro)

Gene: CASK (calcium/calmodulin dependent serine protein kinase; minus strand). Cytogenetic location: Xp11.4.
Variant type: single nucleotide variant.
Coding change: c.1816T>C on transcript NM_001367721.1 (MANE Select); coding-DNA position 1816, T replaced by C.
Protein change: p.Ser606Pro; replaces serine 606 with proline.
Molecular consequence: missense variant.
Genome position (GRCh38, 1-based): chrX:41,555,626, A>G on the plus strand (T>C on the coding strand, the complement: CASK is on the minus strand). VCF-style: chrX-41555626-A-G. GRCh37 (hg19) VCF-style: chrX-41414879-A-G.
Other names: c.1747T>C, p.Ser583Pro (NM_001126054.3); c.1729T>C, p.Ser577Pro (NM_001126055.3); c.1798T>C, p.Ser600Pro (NM_001410745.1); c.1816T>C, p.Ser606Pro (NM_003688.4); short protein forms S600P, S577P, S583P, S606P.
Identifiers: ClinVar variation 2758906 (VCV002758906.3), dbSNP rs2519756864, ClinGen allele CA412993704.